The following is an entry in ClinVar:

ClinVar aggregate classification (germline): Likely benign (0 of 4 stars; one submission).

Conditions:
UTP4-related disorder. Also called: UTP4-related condition.

Submission:

PreventionGenetics, part of Exact Sciences
Classification: Likely benign for UTP4-related condition. Last evaluated: 2021-03-09. Review status: no assertion criteria provided. Collection method: clinical testing. Allele origin: germline.
Comment: This variant is classified as likely benign based on ACMG/AMP sequence variant interpretation guidelines (Richards et al. 2015 PMID: 25741868, with internal and published modifications).

NM_032830.3(UTP4):c.1806C>T (p.Tyr602=)

Gene: UTP4 (UTP4 small subunit processome component). Cytogenetic location: 16q22.1.
Variant type: single nucleotide variant.
Coding change: c.1806C>T on transcript NM_032830.3 (MANE Select); coding-DNA position 1806, C replaced by T.
Protein change: p.Tyr602=; no amino-acid change (tyrosine 602 retained).
Molecular consequence: synonymous variant.
Genome position (GRCh38, 1-based): chr16:69,165,499, C>T. VCF-style: chr16-69165499-C-T. GRCh37 (hg19) VCF-style: chr16-69199402-C-T.
Other names: c.1557C>T, p.Tyr519= (NM_001318391.2).
Identifiers: ClinVar variation 3030341 (VCV003030341.2), dbSNP rs2544427435, ClinGen allele CA496396249.